The following is an entry in ClinVar:

NM_002769.5(PRSS1):c.367G>A (p.Val123Met)

Genes: TRB (T cell receptor beta locus; plus strand), PRSS1 (serine protease 1; plus strand). Cytogenetic location: 7q34.
Variant type: single nucleotide variant.
Coding change: c.367G>A on transcript NM_002769.5 (MANE Select); coding-DNA position 367, G replaced by A.
Protein change: p.Val123Met; replaces valine 123 with methionine.
Molecular consequence: missense variant.
Genome position (GRCh38, 1-based): chr7:142,751,940, G>A. VCF-style: chr7-142751940-G-A. GRCh37 (hg19) VCF-style: chr7-142459791-G-A.
Other names: short protein forms V123M.
Identifiers: ClinVar variation 411136 (VCV000411136.9), dbSNP rs144403091, ClinGen allele CA4529936.

ClinVar aggregate classification (germline): Uncertain significance. Review status: criteria provided, multiple submitters, no conflicts (2 of 4 stars). 2 submissions from 2 submitters: Uncertain significance (2). Last evaluated 2025-10-01.

Conditions:
Hereditary pancreatitis (PCTT). Also called: Hereditary chronic pancreatitis; PRSS1-Related Hereditary Pancreatitis. Identifiers: Orphanet 676, MedGen C0238339, MONDO:0008185, OMIM 167800.

Allele frequency attached by ClinVar (database versions not stated): TOPMed 0.00002; ESP Exome Variant Server 0.00008.

Submissions (2):

Labcorp Genetics (formerly Invitae), Labcorp
Classification: Uncertain significance for Hereditary pancreatitis. Last evaluated: 2025-10-01. Review status: criteria provided, single submitter. Criteria: Invitae Variant Classification Sherloc (09022015). Collection method: clinical testing. Allele origin: germline.
Comment: This sequence change replaces valine, which is neutral and non-polar, with methionine, which is neutral and non-polar, at codon 123 of the PRSS1 protein (p.Val123Met). The frequency data for this variant in the population databases is considered unreliable, as metrics indicate poor data quality at this position in the gnomAD database. This missense change has been observed in individual(s) with idiopathic chronic pancreatitis (PMID: 11260229). ClinVar contains an entry for this variant (Variation ID: 411136). Invitae Evidence Modeling of protein sequence and biophysical properties (such as structural, functional, and spatial information, amino acid conservation, physicochemical variation, residue mobility, and thermodynamic stability) indicates that this missense variant is expected to disrupt PRSS1 protein function with a positive predictive value of 80%. Experimental studies have shown that this missense change does not substantially affect PRSS1 function (PMID: 23455445). In summary, the available evidence is currently insufficient to determine the role of this variant in disease. Therefore, it has been classified as a Variant of Uncertain Significance.

Ambry Genetics
Classification: Uncertain significance for Hereditary pancreatitis. Last evaluated: 2024-02-14. Review status: criteria provided, single submitter. Criteria: Ambry Variant Classification Scheme 2023. Collection method: clinical testing. Allele origin: germline.
Comment: The p.V123M variant (also known as c.367G>A), located in coding exon 3 of the PRSS1 gene, results from a G to A substitution at nucleotide position 367. The valine at codon 123 is replaced by methionine, an amino acid with highly similar properties. This alteration has been reported in one subject with pancreatitis; however functional studies suggest this alteration has a profile inconsistent with hereditary pancreatitis (Chen JM et al. Eur. J. Hum. Genet., 2000 Jul;8:473-9; Schn&uacute;r A et al. Gut, 2014 Feb;63:337-43). This amino acid position is well conserved in available vertebrate species. In addition, this alteration is predicted to be deleterious by in silico analysis. Based on the available evidence, the clinical significance of this alteration remains unclear.

Literature cited by the submitters: PubMed 11260229 (cited by Labcorp Genetics (formerly Invitae), Labcorp); PubMed 23455445 (cited by Labcorp Genetics (formerly Invitae), Labcorp and Ambry Genetics); PubMed 10909845 (cited by Ambry Genetics).